The following is an entry in ClinVar:

ClinVar aggregate classification (germline): Pathogenic (1 of 4 stars; one submission).

Conditions:
Fabry disease. Also called: ALPHA-GALACTOSIDASE A DEFICIENCY; ANDERSON-FABRY DISEASE; CERAMIDE TRIHEXOSIDASE DEFICIENCY; GLA DEFICIENCY; HEREDITARY DYSTOPIC LIPIDOSIS; Angiokeratoma corporis diffusum. Identifiers: Orphanet 324, MedGen C0002986, MONDO:0010526, OMIM 301500, HP:0001071. Disease mechanism: Fabry disease is due to inactivating mutations in the X-linked GLA gene resulting in deficiency of the enzyme Alpha Galactosidase-A., loss of function.

Submission:

Genomenon, Inc
Classification: Pathogenic for Fabry disease. Last evaluated: 2026-09-08. Review status: criteria provided, single submitter. Criteria: Genomenon Sequence Variant Interpretation Standards - Updated. Collection method: curation. Allele origin: germline. Affected: yes.
Comment: GLA p.Ser102Ter (c.305del) is a nonsense variant that introduces a premature stop codon at amino acid position 102 and is predicted to result in a truncated or absent protein product. This variant has been observed in at least one proband with clinical features consistent with Fabry disease (PMID:24365053). The variant was found to segregate with disease in at least one affected family (PMID:24365053). At least one functional study has demonstrated a substantial alteration in protein function relative to the wild-type (PMID:18205205). It is absent or not present at a significant frequency in gnomAD. In conclusion, we classify GLA p.Ser102Ter (c.305del) as a pathogenic variant.

Literature cited by the submitters: PubMed 24365053; PubMed 18205205.

NM_000169.3(GLA):c.305del (p.Asp101_Ser102insTer)

Genes: GLA (galactosidase alpha; minus strand), RPL36A-HNRNPH2 (RPL36A-HNRNPH2 readthrough; plus strand). Cytogenetic location: Xq22.1.
Variant type: Deletion.
Coding change: c.305del on transcript NM_000169.3 (MANE Select); coding-DNA position 305, one base deleted (C; older notation c.305delC).
Protein change: p.Asp101_Ser102insTer.
Molecular consequence: nonsense. On other transcripts: non-coding transcript variant (3), intron variant (2).
Genome position (GRCh38, 1-based): chrX:101,403,875, G deleted on the plus strand (C on the coding strand, the reverse complement: GLA is on the minus strand). VCF-style (leftmost placement, unchanged base first): chrX-101403874-TG-T. GRCh37 (hg19) VCF-style: chrX-100658862-TG-T.
Other names: c.428del, p.Asp142_Ser143insTer (NM_001406747.1, NM_001406749.1); c.305del, p.Asp101_Ser102insTer (NM_001406748.1); c.301-8061del (NM_001199973.2); c.178-8061del (NM_001199974.2).
Identifiers: ClinVar variation 4087152 (VCV004087152.2).